The following is an entry in ClinVar:

ClinVar aggregate classification (germline): Likely benign (1 of 4 stars; one submission).

Allele frequency attached by ClinVar (database versions not stated): gnomAD 0.00606 and 0.00636; TOPMed 0.00638; 1000 Genomes Project 0.00662; 1000 Genomes Project 30x 0.00749.
gnomAD v4.1: 1,211 of 920,840 alleles (0.13%); highest among the groups gnomAD compares: African/African-American, 2%; 5 homozygotes.

Submission:

GeneDx
Classification: Likely benign. Last evaluated: 2018-06-19. Review status: criteria provided, single submitter. Criteria: GeneDx Variant Classification (06012015). Collection method: clinical testing. Allele origin: germline. Affected: yes.
Comment: This variant is considered likely benign or benign based on one or more of the following criteria: it is a conservative change, it occurs at a poorly conserved position in the protein, it is predicted to be benign by multiple in silico algorithms, and/or has population frequency not consistent with disease.

NM_001099922.3(ALG13):c.2933-57A>G

Gene: ALG13 (ALG13 UDP-N-acetylglucosaminyltransferase subunit; plus strand). Cytogenetic location: Xq23.
Variant type: single nucleotide variant.
Coding change: c.2933-57A>G on transcript NM_001099922.3 (MANE Select); 57 bases into the intron before coding-DNA position 2933, A replaced by G.
Molecular consequence: intron variant.
Genome position (GRCh38, 1-based): chrX:111,752,733, A>G. VCF-style: chrX-111752733-A-G. GRCh37 (hg19) VCF-style: chrX-110995961-A-G.
Other names: c.2384-57A>G (NM_001257237.2, NM_001257234.2, NM_001257230.2); c.2210-57A>G (NM_001324293.1); c.2699-57A>G (NM_001257231.2); c.2696-57A>G (NM_001324292.2).
Identifiers: ClinVar variation 676963 (VCV000676963.1), dbSNP rs138109869, ClinGen allele CA334446428.